The following is an entry in ClinVar:

ClinVar aggregate classification (germline): Pathogenic/Likely pathogenic. Review status: criteria provided, multiple submitters, no conflicts (2 of 4 stars). 2 submissions from 2 submitters: Pathogenic (1); Likely pathogenic (1). Last evaluated 2024-11-25.

Conditions:
HR-related disorder. Also called: HR-related condition; HR-related disorders. Identifiers: MedGen CN239293.

Allele frequency attached by ClinVar (database versions not stated): TOPMed 0.00002; gnomAD 0.00004; ExAC 0.00008.
gnomAD v4.1: 30 of 1,419,174 alleles (0.0021%); highest among the groups gnomAD compares: Non-Finnish European, 0.0026%; no homozygotes.

Submissions (2):

Blueprint Genetics
Classification: Likely pathogenic for HR-related disorders. Last evaluated: 2024-11-25. Review status: criteria provided, single submitter. Criteria: ACMG Guidelines, 2015. Collection method: clinical testing. Allele origin: germline. Affected: yes. Observed: 4 variant alleles.

Labcorp Genetics (formerly Invitae), Labcorp
Classification: Pathogenic. Last evaluated: 2022-08-09. Review status: criteria provided, single submitter. Criteria: Invitae Variant Classification Sherloc (09022015). Collection method: clinical testing. Allele origin: germline.
Comment: For these reasons, this variant has been classified as Pathogenic. Experimental studies have shown that this missense change affects HR function (PMID: 17609203, 26680117). Algorithms developed to predict the effect of missense changes on protein structure and function (SIFT, PolyPhen-2, Align-GVGD) all suggest that this variant is likely to be disruptive. This missense change has been observed in individual(s) with autosomal recessive HR-related conditions (PMID: 10772391; Invitae). In at least one individual the data is consistent with being in trans (on the opposite chromosome) from a pathogenic variant. It has also been observed to segregate with disease in related individuals. This variant is present in population databases (rs778999706, gnomAD 0.008%). This sequence change replaces cysteine, which is neutral and slightly polar, with glycine, which is neutral and non-polar, at codon 622 of the HR protein (p.Cys622Gly).

Literature cited by the submitters: PubMed 17609203 (cited by Labcorp Genetics (formerly Invitae), Labcorp); PubMed 26680117 (cited by Labcorp Genetics (formerly Invitae), Labcorp); PubMed 10772391 (cited by Labcorp Genetics (formerly Invitae), Labcorp).

NM_005144.5(HR):c.1864T>G (p.Cys622Gly)

Gene: HR (HR lysine demethylase and nuclear receptor corepressor; minus strand). Cytogenetic location: 8p21.3.
Variant type: single nucleotide variant.
Coding change: c.1864T>G on transcript NM_005144.5 (MANE Select); coding-DNA position 1864, T replaced by G.
Protein change: p.Cys622Gly; replaces cysteine 622 with glycine.
Molecular consequence: missense variant.
Genome position (GRCh38, 1-based): chr8:22,123,700, A>C on the plus strand (T>G on the coding strand, the complement: HR is on the minus strand). VCF-style: chr8-22123700-A-C. GRCh37 (hg19) VCF-style: chr8-21981213-A-C.
Other names: c.1864T>G, p.Cys622Gly (NM_018411.4); short protein forms C622G.
Identifiers: ClinVar variation 2136647 (VCV002136647.5), dbSNP rs778999706, ClinGen allele CA4662329.